The following is an entry in ClinVar:

ClinVar aggregate classification (germline): Uncertain significance (1 of 4 stars; one submission).

Allele frequency attached by ClinVar (database versions not stated): ESP Exome Variant Server 0.00108; 1000 Genomes Project 30x 0.00016; 1000 Genomes Project 0.00020; TOPMed 0.00060; gnomAD 0.00070.
gnomAD v4.1: 1,509 of 1,608,338 alleles (0.094%); highest among the groups gnomAD compares: Non-Finnish European, 0.11%; 2 homozygotes.

Submission:

Labcorp Genetics (formerly Invitae), Labcorp
Classification: Uncertain significance. Last evaluated: 2024-12-15. Review status: criteria provided, single submitter. Criteria: Invitae Variant Classification Sherloc (09022015). Collection method: clinical testing. Allele origin: germline.
Comment: This sequence change replaces valine, which is neutral and non-polar, with methionine, which is neutral and non-polar, at codon 210 of the NFATC1 protein (p.Val210Met). This variant is present in population databases (rs62096875, gnomAD 0.1%), and has an allele count higher than expected for a pathogenic variant. This missense change has been observed in individual(s) with clinical features of NFATC1-related conditions (PMID: 25260786, 30007050, 30514661). This variant is also known as c.589G>A, p.V197M. ClinVar contains an entry for this variant (Variation ID: 2052766). An algorithm developed to predict the effect of missense changes on protein structure and function (PolyPhen-2) suggests that this variant is likely to be disruptive. Experimental studies are conflicting or provide insufficient evidence to determine the effect of this variant on NFATC1 function (PMID: 30007050, 30514661). In summary, the available evidence is currently insufficient to determine the role of this variant in disease. Therefore, it has been classified as a Variant of Uncertain Significance.

Literature cited by the submitters: PubMed 25260786; PubMed 30007050; PubMed 30514661.

NM_001278669.2(NFATC1):c.628G>A (p.Val210Met)

Gene: NFATC1 (nuclear factor of activated T cells 1; plus strand). Cytogenetic location: 18q23.
Variant type: single nucleotide variant.
Coding change: c.628G>A on transcript NM_001278669.2 (MANE Select); coding-DNA position 628, G replaced by A.
Protein change: p.Val210Met; replaces valine 210 with methionine.
Molecular consequence: missense variant. On other transcripts: intron variant (2).
Genome position (GRCh38, 1-based): chr18:79,410,903, G>A. VCF-style: chr18-79410903-G-A. GRCh37 (hg19) VCF-style: chr18-77170903-G-A.
Other names: c.628G>A, p.Val210Met (NM_001278670.2, NM_006162.5, NM_172390.3); c.589G>A, p.Val197Met (NM_001278672.2, NM_001278675.2, NM_172387.3 and 1 more transcripts); c.-191+14552G>A (NM_172388.3); c.-191+10424G>A (NM_001278673.2); short protein forms V197M, V210M.
Identifiers: ClinVar variation 2052766 (VCV002052766.4), dbSNP rs62096875, ClinGen allele CA9008876.